The following is an entry in ClinVar:

NM_002941.4(ROBO1):c.1861A>G (p.Ile621Val)

Gene: ROBO1 (roundabout guidance receptor 1; minus strand). Cytogenetic location: 3p12.3.
Variant type: single nucleotide variant.
Coding change: c.1861A>G on transcript NM_002941.4 (MANE Select); coding-DNA position 1861, A replaced by G.
Protein change: p.Ile621Val; replaces isoleucine 621 with valine.
Molecular consequence: missense variant.
Genome position (GRCh38, 1-based): chr3:78,667,988, T>C on the plus strand (A>G on the coding strand, the complement: ROBO1 is on the minus strand). VCF-style: chr3-78667988-T-C. GRCh37 (hg19) VCF-style: chr3-78717138-T-C.
Other names: c.1753A>G, p.Ile585Val (NM_001145845.2, NM_133631.4); short protein forms I621V, I585V.
Identifiers: ClinVar variation 3314984 (VCV003314984.2).
Genomic context (GRCh38, chr3:78,667,988, plus strand): 5'-CATATGCATTAGCTGCCCTCACAAGGAAAAGGTAAATTGCATTAGGTTTGAGTCCTTTAA[T>C]GGCAGATGTTTCTGTTTTCACATTCTCTGCTACGGTCTGCCAGCTGCTACCAGATGCATG-3'
Protein context (NP_002932.1, residues 611-631): AENVKTETSA[Ile621Val]KGLKPNAIYL

ClinVar aggregate classification (germline): Uncertain significance. Review status: criteria provided, multiple submitters, no conflicts (2 of 4 stars). 2 submissions from 2 submitters: Uncertain significance (2). Last evaluated 2025-12-15.

Conditions:
Inborn genetic diseases. Identifiers: MedGen C0950123, MeSH D030342.

gnomAD v4.1: 23 of 1,613,680 alleles (0.0014%); highest among the groups gnomAD compares: African/African-American, 0.021%; no homozygotes.

Submissions (2):

Labcorp Genetics (formerly Invitae), Labcorp
Classification: Uncertain significance. Last evaluated: 2025-12-15. Review status: criteria provided, single submitter. Criteria: Invitae Variant Classification Sherloc (09022015). Collection method: clinical testing. Allele origin: germline.
Comment: This sequence change replaces isoleucine, which is neutral and non-polar, with valine, which is neutral and non-polar, at codon 621 of the ROBO1 protein (p.Ile621Val). This variant is present in population databases (rs369247777, gnomAD 0.02%). This variant has not been reported in the literature in individuals affected with ROBO1-related conditions. ClinVar contains an entry for this variant (Variation ID: 3314984). Invitae Evidence Modeling of protein sequence and biophysical properties (such as structural, functional, and spatial information, amino acid conservation, physicochemical variation, residue mobility, and thermodynamic stability) indicates that this missense variant is not expected to disrupt ROBO1 protein function with a negative predictive value of 95%. In summary, the available evidence is currently insufficient to determine the role of this variant in disease. Therefore, it has been classified as a Variant of Uncertain Significance.

Ambry Genetics
Classification: Uncertain significance for Inborn genetic diseases. Last evaluated: 2024-04-24. Review status: criteria provided, single submitter. Criteria: Ambry Variant Classification Scheme 2023. Collection method: clinical testing. Allele origin: germline.